The following is an entry in ClinVar:

NM_178170.3(NEK8):c.1104C>T (p.Leu368=)

Gene: NEK8 (NIMA related kinase 8; plus strand). Cytogenetic location: 17q11.2.
Variant type: single nucleotide variant.
Coding change: c.1104C>T on transcript NM_178170.3 (MANE Select); coding-DNA position 1104, C replaced by T.
Protein change: p.Leu368=; no amino-acid change (leucine 368 retained).
Molecular consequence: synonymous variant.
Genome position (GRCh38, 1-based): chr17:28,738,127, C>T. VCF-style: chr17-28738127-C-T. GRCh37 (hg19) VCF-style: chr17-27065145-C-T.
Identifiers: ClinVar variation 4986859 (VCV004986859.1).

ClinVar aggregate classification (germline): Likely benign (1 of 4 stars; one submission).

Conditions:
NEK8-related disorder. Also called: NEK8-related condition.

gnomAD v4.1: 6 of 1,613,986 alleles (0.00037%); highest among the groups gnomAD compares: Admixed American, 0.01%; no homozygotes.

Submission:

PreventionGenetics, part of Exact Sciences
Classification: Likely benign for NEK8-related condition. Last evaluated: 2025-04-11. Review status: criteria provided, single submitter. Criteria: ACMG Guidelines, 2015. Collection method: clinical testing. Allele origin: germline.
Comment: This variant is classified as likely benign based on ACMG/AMP sequence variant interpretation guidelines (Richards et al. 2015 PMID: 25741868, with internal and published modifications).